The following is an entry in ClinVar:

NM_014362.4(HIBCH):c.974T>G (p.Val325Gly)

Gene: HIBCH (3-hydroxyisobutyryl-CoA hydrolase; minus strand). Cytogenetic location: 2q32.2.
Variant type: single nucleotide variant.
Coding change: c.974T>G on transcript NM_014362.4 (MANE Select); coding-DNA position 974, T replaced by G.
Protein change: p.Val325Gly; replaces valine 325 with glycine.
Molecular consequence: missense variant.
Genome position (GRCh38, 1-based): chr2:190,212,993, A>C on the plus strand (T>G on the coding strand, the complement: HIBCH is on the minus strand). VCF-style: chr2-190212993-A-C. GRCh37 (hg19) VCF-style: chr2-191077719-A-C.
Other names: c.974T>G, p.Val325Gly (NM_198047.3); c.974T>G (NM_014362.3); short protein forms V325G.
Identifiers: ClinVar variation 1393523 (VCV001393523.7), dbSNP rs751484433, ClinGen allele CA349894268.

ClinVar aggregate classification (germline): Uncertain significance. Review status: criteria provided, multiple submitters, no conflicts (2 of 4 stars). 2 submissions from 2 submitters: Uncertain significance (2). Last evaluated 2026-04-24.

Conditions:
HIBCH-related disorder. Also called: HIBCH-related condition.
3-hydroxyisobutyryl-CoA hydrolase deficiency. Also called: HIBCH DEFICIENCY; METHACRYLIC ACID TOXICITY; METHACRYLIC ACIDURIA; Reduced circulating 3-hydroxyisobutyryl-CoA hydrolase activity; Deficiency of 3-hydroxyisobutyryl CoA hydrolase; VALINE METABOLIC DEFECT. Identifiers: Orphanet 88639, MedGen C0342738, MONDO:0009603, OMIM 250620, HP:6000215.

gnomAD v4.1: 3 of 1,611,918 alleles (0.00019%); highest among the groups gnomAD compares: Non-Finnish European, 0.00025%; no homozygotes.

Submissions (2):

PreventionGenetics, part of Exact Sciences
Classification: Uncertain significance for HIBCH-related condition. Last evaluated: 2026-04-24. Review status: criteria provided, single submitter. Criteria: ACMG Guidelines, 2015. Collection method: clinical testing. Allele origin: germline.
Comment: The HIBCH c.974T>G variant is predicted to result in the amino acid substitution p.Val325Gly. To our knowledge, this variant has not been reported in the literature. This variant is reported in 0.00088% of alleles in individuals of European (Non-Finnish) descent in gnomAD. Although we suspect that this variant may be pathogenic, the clinical significance of this variant is currently classified as uncertain due to the absence of conclusive functional and genetic evidence.

Labcorp Genetics (formerly Invitae), Labcorp
Classification: Uncertain significance for 3-hydroxyisobutyryl-CoA hydrolase deficiency. Last evaluated: 2021-11-21. Review status: criteria provided, single submitter. Criteria: Invitae Variant Classification Sherloc (09022015). Collection method: clinical testing. Allele origin: germline.
Comment: Algorithms developed to predict the effect of missense changes on protein structure and function are either unavailable or do not agree on the potential impact of this missense change (SIFT: "Deleterious"; PolyPhen-2: "Probably Damaging"; Align-GVGD: "Class C0"). In summary, the available evidence is currently insufficient to determine the role of this variant in disease. Therefore, it has been classified as a Variant of Uncertain Significance. This variant has not been reported in the literature in individuals affected with HIBCH-related conditions. This variant is present in population databases (no rsID available, gnomAD 0.0009%). This sequence change replaces valine, which is neutral and non-polar, with glycine, which is neutral and non-polar, at codon 325 of the HIBCH protein (p.Val325Gly).